The following is an entry in ClinVar:

ClinVar aggregate classification (germline): Uncertain significance (1 of 4 stars; one submission).

Conditions:
Renal cell carcinoma. Identifiers: Orphanet 217071, MedGen C0007134, MeSH D002292, MONDO:0005086, HP:0005584.

Submission:

Labcorp Genetics (formerly Invitae), Labcorp
Classification: Uncertain significance for Renal cell carcinoma. Last evaluated: 2025-04-22. Review status: criteria provided, single submitter. Criteria: Invitae Variant Classification Sherloc (09022015). Collection method: clinical testing. Allele origin: germline.
Comment: This sequence change replaces glutamine, which is neutral and polar, with histidine, which is basic and polar, at codon 1276 of the MET protein (p.Gln1276His). This variant is not present in population databases (gnomAD no frequency). This variant has not been reported in the literature in individuals affected with MET-related conditions. Invitae Evidence Modeling of protein sequence and biophysical properties (such as structural, functional, and spatial information, amino acid conservation, physicochemical variation, residue mobility, and thermodynamic stability) indicates that this missense variant is not expected to disrupt MET protein function with a negative predictive value of 80%. In summary, the available evidence is currently insufficient to determine the role of this variant in disease. Therefore, it has been classified as a Variant of Uncertain Significance.

NM_000245.4(MET):c.3774A>T (p.Gln1258His)

Gene: MET (MET proto-oncogene, receptor tyrosine kinase; plus strand). Cytogenetic location: 7q31.2.
Variant type: single nucleotide variant.
Coding change: c.3774A>T on transcript NM_000245.4 (MANE Select); coding-DNA position 3774, A replaced by T.
Protein change: p.Gln1258His; replaces glutamine 1258 with histidine.
Molecular consequence: missense variant.
Genome position (GRCh38, 1-based): chr7:116,783,445, A>T. VCF-style: chr7-116783445-A-T. GRCh37 (hg19) VCF-style: chr7-116423499-A-T.
Other names: c.3828A>T, p.Gln1276His (NM_001127500.3); c.2484A>T, p.Gln828His (NM_001324402.2); short protein forms Q828H, Q1258H, Q1276H.
Identifiers: ClinVar variation 4742217 (VCV004742217.1).
Genomic context (GRCh38, chr7:116,783,445, plus strand): 5'-CAACAAAACAGGTGCAAAGCTGCCAGTGAAGTGGATGGCTTTGGAAAGTCTGCAAACTCA[A>T]AAGTTTACCACCAAGTCAGATGTGGTAATGTATTGGTTATCTCTGAGTTTCTCCTCTTTT-3'
Protein context (NP_000236.2, residues 1248-1268): KWMALESLQT[Gln1258His]KFTTKSDVWS